The following is an entry in ClinVar:

NM_144997.7(FLCN):c.1247A>G (p.Asn416Ser)

Gene: FLCN (folliculin; minus strand). Cytogenetic location: 17p11.2.
Variant type: single nucleotide variant.
Coding change: c.1247A>G on transcript NM_144997.7 (MANE Select); coding-DNA position 1247, A replaced by G.
Protein change: p.Asn416Ser; replaces asparagine 416 with serine.
Molecular consequence: missense variant.
Genome position (GRCh38, 1-based): chr17:17,216,433, T>C on the plus strand (A>G on the coding strand, the complement: FLCN is on the minus strand). VCF-style: chr17-17216433-T-C. GRCh37 (hg19) VCF-style: chr17-17119747-T-C.
Other names: c.1301A>G, p.Asn434Ser (NM_001353229.2); c.1247A>G, p.Asn416Ser (NM_001353230.2, NM_001353231.2); short protein forms N434S, N416S.
Identifiers: ClinVar variation 818694 (VCV000818694.13), dbSNP rs781295687, ClinGen allele CA8416088.

ClinVar aggregate classification (germline): Uncertain significance. Review status: criteria provided, multiple submitters, no conflicts (2 of 4 stars). 3 submissions from 3 submitters: Uncertain significance (3). Last evaluated 2025-07-30.

Conditions:
Hereditary cancer-predisposing syndrome. Also called: Hereditary Cancer Syndrome; Neoplastic Syndromes, Hereditary; Hereditary neoplastic syndrome; Tumor predisposition. Identifiers: Orphanet 140162, MedGen C0027672, MeSH D009386, MONDO:0015356.
Birt-Hogg-Dube syndrome. Also called: Birt Hogg Dubé syndrome. Identifiers: Orphanet 122, MedGen C0346010, MONDO:0800444.

Allele frequency attached by ClinVar (database versions not stated): gnomAD exomes below 0.00001 and 0.00001; TOPMed below 0.00001; ExAC 0.00002.
gnomAD v4.1: 5 of 1,613,778 alleles (0.00031%); highest among the groups gnomAD compares: Non-Finnish European, 0.00042%; no homozygotes.

Submissions (3):

Labcorp Genetics (formerly Invitae), Labcorp
Classification: Uncertain significance for Birt-Hogg-Dube syndrome. Last evaluated: 2025-07-30. Review status: criteria provided, single submitter. Criteria: Invitae Variant Classification Sherloc (09022015). Collection method: clinical testing. Allele origin: germline.
Comment: This sequence change replaces asparagine, which is neutral and polar, with serine, which is neutral and polar, at codon 416 of the FLCN protein (p.Asn416Ser). This variant is present in population databases (rs781295687, gnomAD 0.002%). This variant has not been reported in the literature in individuals affected with FLCN-related conditions. ClinVar contains an entry for this variant (Variation ID: 818694). Invitae Evidence Modeling of protein sequence and biophysical properties (such as structural, functional, and spatial information, amino acid conservation, physicochemical variation, residue mobility, and thermodynamic stability) indicates that this missense variant is expected to disrupt FLCN protein function with a positive predictive value of 80%. In summary, the available evidence is currently insufficient to determine the role of this variant in disease. Therefore, it has been classified as a Variant of Uncertain Significance.

Ambry Genetics
Classification: Uncertain significance for Hereditary cancer-predisposing syndrome. Last evaluated: 2024-04-26. Review status: criteria provided, single submitter. Criteria: Ambry Variant Classification Scheme 2023. Collection method: clinical testing. Allele origin: germline.
Comment: The p.N416S variant (also known as c.1247A>G), located in coding exon 8 of the FLCN gene, results from an A to G substitution at nucleotide position 1247. The asparagine at codon 416 is replaced by serine, an amino acid with highly similar properties. This amino acid position is highly conserved in available vertebrate species. In addition, the in silico prediction for this alteration is inconclusive. Since supporting evidence is limited at this time, the clinical significance of this alteration remains unclear.

GeneDx
Classification: Uncertain significance. Last evaluated: 2023-07-06. Review status: criteria provided, single submitter. Criteria: GeneDx Variant Classification Process June 2021. Collection method: clinical testing. Allele origin: germline. Affected: yes.
Comment: Not observed at significant frequency in large population cohorts (gnomAD); In silico analysis supports that this missense variant has a deleterious effect on protein structure/function; Has not been previously published as pathogenic or benign to our knowledge; This variant is associated with the following publications: (PMID: 17028174)